The following is an entry in ClinVar:

ClinVar aggregate classification (germline): Uncertain significance (1 of 4 stars; one submission).

Submission:

Labcorp Genetics (formerly Invitae), Labcorp
Classification: Uncertain significance. Last evaluated: 2019-10-03. Review status: criteria provided, single submitter. Criteria: Invitae Variant Classification Sherloc (09022015). Collection method: clinical testing. Allele origin: germline.
Comment: This variant is not present in population databases (ExAC no frequency). This sequence change replaces lysine with threonine at codon 160 of the IFT43 protein (p.Lys160Thr). The lysine residue is highly conserved and there is a moderate physicochemical difference between lysine and threonine. This variant has not been reported in the literature in individuals with IFT43-related conditions. Algorithms developed to predict the effect of missense changes on protein structure and function are either unavailable or do not agree on the potential impact of this missense change (SIFT: "Tolerated"; PolyPhen-2: "Probably Damaging"; Align-GVGD: "Class C0"). In summary, the available evidence is currently insufficient to determine the role of this variant in disease. Therefore, it has been classified as a Variant of Uncertain Significance.

NM_001102564.3(IFT43):c.464A>C (p.Lys155Thr)

Gene: IFT43 (intraflagellar transport 43; plus strand). Cytogenetic location: 14q24.3.
Variant type: single nucleotide variant.
Coding change: c.464A>C on transcript NM_001102564.3 (MANE Select); coding-DNA position 464, A replaced by C.
Protein change: p.Lys155Thr; replaces lysine 155 with threonine.
Molecular consequence: missense variant. On other transcripts: non-coding transcript variant (2).
Genome position (GRCh38, 1-based): chr14:76,083,246, A>C. VCF-style: chr14-76083246-A-C. GRCh37 (hg19) VCF-style: chr14-76549589-A-C.
Other names: c.479A>C, p.Lys160Thr (NM_052873.3); short protein forms K160T, K155T.
Identifiers: ClinVar variation 964170 (VCV000964170.9), dbSNP rs2037547216, ClinGen allele CA390474544.
Genomic context (GRCh38, chr14:76,083,246, plus strand): 5'-TCAAGGTGCTCAGCCTGACCTTTTTTTGTTTGCATTCACAGGATGGGGAGATCGACCTGA[A>C]ACTCCTCACCAAAGTGCTCGCGCCGGAGCACGAAGTCCGGGAGGTACAGTGGTGGCAGCA-3'
Protein context (NP_001096034.1, residues 145-165): IQTLDGEIDL[Lys155Thr]LLTKVLAPEH